The following is an entry in ClinVar:

NM_017970.4(NRDE2):c.960G>A (p.Glu320=)

Gene: NRDE2 (NRDE-2, necessary for RNA interference, domain containing; minus strand). Cytogenetic location: 14q32.11.
Variant type: single nucleotide variant.
Coding change: c.960G>A on transcript NM_017970.4 (MANE Select); coding-DNA position 960, G replaced by A.
Protein change: p.Glu320=; no amino-acid change (glutamic acid 320 retained).
Molecular consequence: synonymous variant.
Genome position (GRCh38, 1-based): chr14:90,303,980, C>T on the plus strand (G>A on the coding strand, the complement: NRDE2 is on the minus strand). VCF-style: chr14-90303980-C-T. GRCh37 (hg19) VCF-style: chr14-90770324-C-T.
Identifiers: ClinVar variation 2644450 (VCV002644450.24), dbSNP rs142705027, ClinGen allele CA7305406.

ClinVar aggregate classification (germline): Likely benign (1 of 4 stars; one submission).

Allele frequency attached by ClinVar (database versions not stated): ExAC 0.00001; gnomAD 0.00001; gnomAD exomes 0.00001; TOPMed 0.00001; ESP Exome Variant Server 0.00008.
gnomAD v4.1: 8 of 1,613,694 alleles (0.0005%); highest among the groups gnomAD compares: South Asian, 0.0011%; no homozygotes.

Submission:

CeGaT Center for Human Genetics Tuebingen
Classification: Likely benign. Last evaluated: 2022-07-01. Review status: criteria provided, single submitter. Criteria: CeGaT Center For Human Genetics Tuebingen Variant Classification Criteria Version 2. Collection method: clinical testing. Allele origin: germline. Affected: yes. Observed: 1 variant allele.
Comment: NRDE2: BP4, BP7